The following is an entry in ClinVar:

NM_000350.3(ABCA4):c.6191C>G (p.Ala2064Gly)

Gene: ABCA4 (ATP binding cassette subfamily A member 4; minus strand). Cytogenetic location: 1p22.1.
Variant type: single nucleotide variant.
Coding change: c.6191C>G on transcript NM_000350.3 (MANE Select); coding-DNA position 6191, C replaced by G.
Protein change: p.Ala2064Gly; replaces alanine 2064 with glycine.
Molecular consequence: missense variant.
Genome position (GRCh38, 1-based): chr1:94,001,949, G>C on the plus strand (C>G on the coding strand, the complement: ABCA4 is on the minus strand). VCF-style: chr1-94001949-G-C. GRCh37 (hg19) VCF-style: chr1-94467505-G-C.
Other names: c.5969C>G, p.Ala1990Gly (NM_001425324.1); short protein forms A2064G, A1990G.
Identifiers: ClinVar variation 2718055 (VCV002718055.3), dbSNP rs1362964563, ClinGen allele CA341278311.

ClinVar aggregate classification (germline): Likely pathogenic (1 of 4 stars; one submission).

Submission:

Labcorp Genetics (formerly Invitae), Labcorp
Classification: Likely pathogenic. Last evaluated: 2023-06-16. Review status: criteria provided, single submitter. Criteria: Invitae Variant Classification Sherloc (09022015). Collection method: clinical testing. Allele origin: germline.
Comment: This variant has not been reported in the literature in individuals affected with ABCA4-related conditions. This variant is not present in population databases (gnomAD no frequency). This sequence change replaces alanine, which is neutral and non-polar, with glycine, which is neutral and non-polar, at codon 2064 of the ABCA4 protein (p.Ala2064Gly). Advanced modeling of protein sequence and biophysical properties (such as structural, functional, and spatial information, amino acid conservation, physicochemical variation, residue mobility, and thermodynamic stability) performed at Invitae indicates that this missense variant is expected to disrupt ABCA4 protein function. This variant disrupts the p.Ala2064 amino acid residue in ABCA4. Other variant(s) that disrupt this residue have been determined to be pathogenic (PMID: 25474345, 26780318, 27739528, 33261146). This suggests that this residue is clinically significant, and that variants that disrupt this residue are likely to be disease-causing. In summary, the currently available evidence indicates that the variant is pathogenic, but additional data are needed to prove that conclusively. Therefore, this variant has been classified as Likely Pathogenic.

Literature cited by the submitters: PubMed 25474345; PubMed 26780318; PubMed 27739528; PubMed 33261146.